The following is an entry in ClinVar:

NM_000257.4(MYH7):c.3626A>G (p.Asn1209Ser)

Gene: MYH7 (myosin heavy chain 7; minus strand). Cytogenetic location: 14q11.2.
Variant type: single nucleotide variant.
Coding change: c.3626A>G on transcript NM_000257.4 (MANE Select); coding-DNA position 3626, A replaced by G.
Protein change: p.Asn1209Ser; replaces asparagine 1209 with serine.
Molecular consequence: missense variant.
Genome position (GRCh38, 1-based): chr14:23,419,945, T>C on the plus strand (A>G on the coding strand, the complement: MYH7 is on the minus strand). VCF-style: chr14-23419945-T-C. GRCh37 (hg19) VCF-style: chr14-23889154-T-C.
Other names: short protein forms N1209S.
Identifiers: ClinVar variation 42967 (VCV000042967.8), dbSNP rs397516189, ClinGen allele CA013898.

ClinVar aggregate classification (germline): Uncertain significance. Review status: criteria provided, multiple submitters, no conflicts (2 of 4 stars). 3 submissions from 3 submitters: Uncertain significance (2). 1 of the submissions does not count toward it. Last evaluated 2024-06-25.

Conditions:
Cardiovascular phenotype. Identifiers: MedGen CN230736.
Hypertrophic cardiomyopathy. Also called: HYPERTROPHIC MYOCARDIOPATHY. Identifiers: Orphanet 217569, MedGen C0007194, MeSH D002312, MONDO:0005045, HP:0001639.

Submissions (3):

Labcorp Genetics (formerly Invitae), Labcorp
Classification: Uncertain significance for Hypertrophic cardiomyopathy. Last evaluated: 2024-06-25. Review status: criteria provided, single submitter. Criteria: Invitae Variant Classification Sherloc (09022015). Collection method: clinical testing. Allele origin: germline.
Comment: This sequence change replaces asparagine, which is neutral and polar, with serine, which is neutral and polar, at codon 1209 of the MYH7 protein (p.Asn1209Ser). This variant is present in population databases (rs397516189, gnomAD 0.003%). This missense change has been observed in individual(s) with dilated cardiomyopathy and/or hypertrophic cardiomyopathy (PMID: 20474083, 27532257). ClinVar contains an entry for this variant (Variation ID: 42967). Advanced modeling of protein sequence and biophysical properties (such as structural, functional, and spatial information, amino acid conservation, physicochemical variation, residue mobility, and thermodynamic stability) performed at Invitae indicates that this missense variant is expected to disrupt MYH7 protein function with a positive predictive value of 80%. In summary, the available evidence is currently insufficient to determine the role of this variant in disease. Therefore, it has been classified as a Variant of Uncertain Significance.

Ambry Genetics
Classification: Uncertain significance for Cardiovascular phenotype. Last evaluated: 2019-10-17. Review status: criteria provided, single submitter. Criteria: Ambry Variant Classification Scheme 2023. Collection method: clinical testing. Allele origin: germline.

Laboratory for Molecular Medicine, Mass General Brigham Personalized Medicine
Classification: Uncertain significance. Last evaluated: 2008-03-01. Review status: no assertion criteria provided. Collection method: clinical testing. Allele origin: germline. Observed: 1 variant allele. Not counted in ClinVar's aggregate classification.

Literature cited by the submitters: PubMed 20474083 (cited by Labcorp Genetics (formerly Invitae), Labcorp); PubMed 27532257 (cited by Labcorp Genetics (formerly Invitae), Labcorp).